The following is an entry in ClinVar:

ClinVar aggregate classification (germline): Likely benign. Review status: criteria provided, multiple submitters, no conflicts (2 of 4 stars). 3 submissions from 3 submitters: Likely benign (2). 1 of the submissions does not count toward it. Last evaluated 2024-09-24.

Conditions:
Frontotemporal dementia and/or amyotrophic lateral sclerosis 6 (FTDALS6). Also called: VCP-Related Amyotrophic Lateral Sclerosis/Frontotemporal Dementia; VCP-Related Amyotrophic Lateral Sclerosis. Identifiers: Orphanet 275872, Orphanet 803, MedGen C5436279, MONDO:0013501, OMIM 613954.
Inclusion body myopathy with Paget disease of bone and frontotemporal dementia. Also called: Inclusion body myopathy with early-onset Paget disease and frontotemporal dementia. Identifiers: Orphanet 52430, MedGen C1833662, MONDO:0000507.
VCP-related disorder. Also called: VCP-related condition; VCP-related disorders.

Allele frequency attached by ClinVar (database versions not stated): gnomAD exomes 0.00001; gnomAD 0.00003; TOPMed 0.00003; ExAC 0.00001.
gnomAD v4.1: 22 of 1,609,446 alleles (0.0014%); highest among the groups gnomAD compares: Non-Finnish European, 0.0018%; no homozygotes.

Submissions (3):

Women's Health and Genetics/Laboratory Corporation of America, LabCorp
Classification: Likely benign. Last evaluated: 2024-09-24. Review status: criteria provided, single submitter. Criteria: LabCorp Variant Classification Summary - May 2015. Collection method: clinical testing. Allele origin: germline.

Labcorp Genetics (formerly Invitae), Labcorp
Classification: Likely benign for Inclusion body myopathy with Paget disease of bone and frontotemporal dementia; Frontotemporal dementia and/or amyotrophic lateral sclerosis 6. Last evaluated: 2024-04-05. Review status: criteria provided, single submitter. Criteria: Invitae Variant Classification Sherloc (09022015). Collection method: clinical testing. Allele origin: germline.

PreventionGenetics, part of Exact Sciences
Classification: Likely benign for VCP-related condition. Last evaluated: 2024-09-04. Review status: no assertion criteria provided. Collection method: clinical testing. Allele origin: germline. Not counted in ClinVar's aggregate classification.
Comment: This variant is classified as likely benign based on ACMG/AMP sequence variant interpretation guidelines (Richards et al. 2015 PMID: 25741868, with internal and published modifications).

NM_007126.5(VCP):c.2166A>G (p.Val722=)

Gene: VCP (valosin containing protein; minus strand). Cytogenetic location: 9p13.3.
Variant type: single nucleotide variant.
Coding change: c.2166A>G on transcript NM_007126.5 (MANE Select); coding-DNA position 2166, A replaced by G.
Protein change: p.Val722=; no amino-acid change (valine 722 retained).
Molecular consequence: synonymous variant.
Genome position (GRCh38, 1-based): chr9:35,057,525, T>C on the plus strand (A>G on the coding strand, the complement: VCP is on the minus strand). VCF-style: chr9-35057525-T-C. GRCh37 (hg19) VCF-style: chr9-35057522-T-C.
Other names: c.2031A>G, p.Val677= (NM_001354927.2, NM_001354928.2).
Identifiers: ClinVar variation 705822 (VCV000705822.10), dbSNP rs781606619, ClinGen allele CA5039103.